The following is an entry in ClinVar:

ClinVar aggregate classification (germline): Uncertain significance (1 of 4 stars; one submission).

Conditions:
Hereditary orotic aciduria, type 1. Also called: Orotic aciduria type 1; Oroticaciduria 1. Identifiers: MedGen C0268130.

Submission:

Labcorp Genetics (formerly Invitae), Labcorp
Classification: Uncertain significance for Hereditary orotic aciduria, type 1. Last evaluated: 2024-10-21. Review status: criteria provided, single submitter. Criteria: Invitae Variant Classification Sherloc (09022015). Collection method: clinical testing. Allele origin: germline.
Comment: This sequence change replaces arginine, which is basic and polar, with glutamine, which is neutral and polar, at codon 405 of the UMPS protein (p.Arg405Gln). This variant is present in population databases (rs759608798, gnomAD 0.02%). This variant has not been reported in the literature in individuals affected with UMPS-related conditions. Invitae Evidence Modeling of protein sequence and biophysical properties (such as structural, functional, and spatial information, amino acid conservation, physicochemical variation, residue mobility, and thermodynamic stability) indicates that this missense variant is not expected to disrupt UMPS protein function with a negative predictive value of 80%. In summary, the available evidence is currently insufficient to determine the role of this variant in disease. Therefore, it has been classified as a Variant of Uncertain Significance.

NM_000373.4(UMPS):c.1214G>A (p.Arg405Gln)

Gene: UMPS (uridine monophosphate synthetase; plus strand). Cytogenetic location: 3q21.2.
Variant type: single nucleotide variant.
Coding change: c.1214G>A on transcript NM_000373.4 (MANE Select); coding-DNA position 1214, G replaced by A.
Protein change: p.Arg405Gln; replaces arginine 405 with glutamine.
Molecular consequence: missense variant. On other transcripts: non-coding transcript variant (2).
Genome position (GRCh38, 1-based): chr3:124,742,207, G>A. VCF-style: chr3-124742207-G-A. GRCh37 (hg19) VCF-style: chr3-124461054-G-A.
Other names: short protein forms R405Q.
Identifiers: ClinVar variation 3719191 (VCV003719191.2).